The following is an entry in ClinVar:

ClinVar aggregate classification (germline): Uncertain significance (1 of 4 stars; one submission).

Conditions:
Cardiomyopathy (CMYO). Also called: Cardiomyopathies. Identifiers: Orphanet 167848, MedGen C0878544, MONDO:0004994, HP:0001638. Inheritance: Various modes of inheritance.

Submission:

Color Diagnostics, LLC DBA Color Health
Classification: Uncertain significance for Cardiomyopathy. Last evaluated: 2022-11-01. Review status: criteria provided, single submitter. Criteria: ACMG Guidelines, 2015. Collection method: clinical testing. Allele origin: germline.
Comment: This variant causes an A to G nucleotide substitution at the +4 position of intron 36 of the RYR2 gene. To our knowledge, functional studies have not been reported for this variant. This variant has not been reported in individuals affected with cardiovascular disorders in the literature. This variant has not been identified in the general population by the Genome Aggregation Database (gnomAD). The available evidence is insufficient to determine the role of this variant in disease conclusively. Therefore, this variant is classified as a Variant of Uncertain Significance.

NM_001035.3(RYR2):c.4910+4A>G

Gene: RYR2 (ryanodine receptor 2; plus strand). Cytogenetic location: 1q43.
Variant type: single nucleotide variant.
Coding change: c.4910+4A>G on transcript NM_001035.3 (MANE Select); 4 bases into the intron after coding-DNA position 4910, A replaced by G.
Molecular consequence: intron variant.
Genome position (GRCh38, 1-based): chr1:237,610,992, A>G. VCF-style: chr1-237610992-A-G. GRCh37 (hg19) VCF-style: chr1-237774292-A-G.
Identifiers: ClinVar variation 2774303 (VCV002774303.2), dbSNP rs1677795351, ClinGen allele CA2487411045.